The following is an entry in ClinVar:

NM_001271.4(CHD2):c.4298A>G (p.Lys1433Arg)

Gene: CHD2 (chromodomain helicase DNA binding protein 2; plus strand). Cytogenetic location: 15q26.1.
Variant type: single nucleotide variant.
Coding change: c.4298A>G on transcript NM_001271.4 (MANE Select); coding-DNA position 4298, A replaced by G.
Protein change: p.Lys1433Arg; replaces lysine 1433 with arginine.
Molecular consequence: missense variant.
Genome position (GRCh38, 1-based): chr15:93,004,636, A>G. VCF-style: chr15-93004636-A-G. GRCh37 (hg19) VCF-style: chr15-93547866-A-G.
Other names: short protein forms K1433R.
Identifiers: ClinVar variation 1739476 (VCV001739476.2), dbSNP rs2505607933, ClinGen allele CA393903131.

ClinVar aggregate classification (germline): Uncertain significance (1 of 4 stars; one submission).

Conditions:
Inborn genetic diseases. Identifiers: MedGen C0950123, MeSH D030342.

Submission:

Ambry Genetics
Classification: Uncertain significance for Inborn genetic diseases. Last evaluated: 2017-08-07. Review status: criteria provided, single submitter. Criteria: Ambry Variant Classification Scheme 2023. Collection method: clinical testing. Allele origin: germline.
Comment: The p.K1433R variant (also known as c.4298A>G), located in coding exon 33 of the CHD2 gene, results from an A to G substitution at nucleotide position 4298. The lysine at codon 1433 is replaced by arginine, an amino acid with highly similar properties. This amino acid position is well conserved in available vertebrate species. In addition, this alteration is predicted to be tolerated by in silico analysis. Since supporting evidence is limited at this time, the clinical significance of this alteration remains unclear.